The following is an entry in ClinVar:

NM_080680.3(COL11A2):c.1823C>T (p.Pro608Leu)

Gene: COL11A2 (collagen type XI alpha 2 chain; minus strand). Cytogenetic location: 6p21.32.
Variant type: single nucleotide variant.
Coding change: c.1823C>T on transcript NM_080680.3 (MANE Select); coding-DNA position 1823, C replaced by T.
Protein change: p.Pro608Leu; replaces proline 608 with leucine.
Molecular consequence: missense variant.
Genome position (GRCh38, 1-based): chr6:33,178,181, G>A on the plus strand (C>T on the coding strand, the complement: COL11A2 is on the minus strand). VCF-style: chr6-33178181-G-A. GRCh37 (hg19) VCF-style: chr6-33145958-G-A.
Other names: c.1643C>T, p.Pro548Leu (NM_001424108.1); c.977C>T, p.Pro326Leu (NM_001424109.1); c.797C>T, p.Pro266Leu (NM_001424110.1, NM_001424111.1); c.1502C>T, p.Pro501Leu (NM_080679.3); c.1565C>T, p.Pro522Leu (NM_080681.3); short protein forms P266L, P326L, P501L, P522L, P548L, P608L.
Identifiers: ClinVar variation 4801325 (VCV004801325.1).
Genomic context (GRCh38, chr6:33,178,181, plus strand): 5'-GAGTCACTTACAGGGGGTCCAGGAATACCAGGTGGGCCTTTGGGGCCAAGGAGACCTCGA[G>A]GTCCCTGCATTCACGGTGAGGGGAGGAGACGGCATGAATGGATAAAACTGTGTCCCTTTA-3'
Protein context (NP_542411.2, residues 598-618): GPRGLPGESG[Pro608Leu]RGLLGPKGPP

ClinVar aggregate classification (germline): Uncertain significance (1 of 4 stars; one submission).

Submission:

Labcorp Genetics (formerly Invitae), Labcorp
Classification: Uncertain significance. Last evaluated: 2025-10-29. Review status: criteria provided, single submitter. Criteria: Invitae Variant Classification Sherloc (09022015). Collection method: clinical testing. Allele origin: germline.
Comment: This sequence change replaces proline, which is neutral and non-polar, with leucine, which is neutral and non-polar, at codon 608 of the COL11A2 protein (p.Pro608Leu). This variant is not present in population databases (gnomAD no frequency). This variant has not been reported in the literature in individuals affected with COL11A2-related conditions. Invitae Evidence Modeling of protein sequence and biophysical properties (such as structural, functional, and spatial information, amino acid conservation, physicochemical variation, residue mobility, and thermodynamic stability) indicates that this missense variant is not expected to disrupt COL11A2 protein function with a negative predictive value of 95%. In summary, the available evidence is currently insufficient to determine the role of this variant in disease. Therefore, it has been classified as a Variant of Uncertain Significance.